The following is an entry in ClinVar:

ClinVar aggregate classification (germline): Likely pathogenic (1 of 4 stars; one submission).

Conditions:
Developmental and epileptic encephalopathy. Identifiers: MedGen C5779964, MONDO:0100620.

Submission:

Labcorp Genetics (formerly Invitae), Labcorp
Classification: Likely pathogenic for Early-infantile DEE. Last evaluated: 2022-11-18. Review status: criteria provided, single submitter. Criteria: Invitae Variant Classification Sherloc (09022015). Collection method: clinical testing. Allele origin: germline.
Comment: In summary, the currently available evidence indicates that the variant is pathogenic, but additional data are needed to prove that conclusively. Therefore, this variant has been classified as Likely Pathogenic. This variant has not been reported in the literature in individuals affected with KCNQ2-related conditions. This variant results in a copy number gain of the genomic region encompassing exon(s) 2-7 of the KCNQ2 gene. While the exact position of this variant cannot be determined from the data, sub-genic copy number gains are generally in tandem (PMID: 25640679). This variant is predicted to be out-of-frame, and may result in an absent or disrupted protein product. Loss-of-function variants in KCNQ2 are known to be pathogenic (PMID: 14534157, 23692823, 27779742).

Literature cited by the submitters: PubMed 25640679; PubMed 14534157; PubMed 23692823; PubMed 27779742.

NC_000020.10:g.(?_62069958)_(62078210_?)dup

Gene: KCNQ2 (potassium voltage-gated channel subfamily Q member 2; minus strand). Cytogenetic location: 20q13.33.
Variant type: Duplication.
Identifiers: ClinVar variation 2427478 (VCV002427478.4).